The following is an entry in ClinVar:

NM_005559.4(LAMA1):c.3503C>T (p.Thr1168Ile)

Gene: LAMA1 (laminin subunit alpha 1; minus strand). Cytogenetic location: 18p11.31.
Variant type: single nucleotide variant.
Coding change: c.3503C>T on transcript NM_005559.4 (MANE Select); coding-DNA position 3503, C replaced by T.
Protein change: p.Thr1168Ile; replaces threonine 1168 with isoleucine.
Molecular consequence: missense variant.
Genome position (GRCh38, 1-based): chr18:7,011,999, G>A on the plus strand (C>T on the coding strand, the complement: LAMA1 is on the minus strand). VCF-style: chr18-7011999-G-A. GRCh37 (hg19) VCF-style: chr18-7011998-G-A.
Other names: c.3503C>T (NM_005559.3); short protein forms T1168I.
Identifiers: ClinVar variation 1374885 (VCV001374885.9), dbSNP rs779664777, ClinGen allele CA8882271.

ClinVar aggregate classification (germline): Conflicting classifications of pathogenicity. Review status: criteria provided, conflicting classifications (1 of 4 stars). 4 submissions from 4 submitters: Uncertain significance (3); Likely benign (1). Last evaluated 2026-06-23.

Conditions:
Inborn genetic diseases. Identifiers: MedGen C0950123, MeSH D030342.

Allele frequency attached by ClinVar (database versions not stated): gnomAD 0.00008 and 0.00010; gnomAD exomes 0.00008; TOPMed 0.00009; ExAC 0.00013.

Submissions (4):

Women's Health and Genetics/Laboratory Corporation of America, LabCorp
Classification: Uncertain significance. Last evaluated: 2026-06-23. Review status: criteria provided, single submitter. Criteria: LabCorp Variant Classification Summary - May 2015. Collection method: clinical testing. Allele origin: germline.
Comment: Variant summary: LAMA1 c.3503C>T (p.Thr1168Ile) results in a non-conservative amino acid change in the encoded protein sequence. Algorithms developed to predict the effect of missense changes on protein structure and function are either unavailable or do not agree on the potential impact of this missense change. The variant allele was found at a frequency of 7.7e-05 in 233394 control chromosomes. This frequency is not significantly higher than estimated for disease-causing variants in LAMA1, allowing no conclusion about variant significance. To our knowledge, no occurrence of c.3503C>T in individuals affected with LAMA1-related conditions and no experimental evidence demonstrating its impact on protein function have been reported. ClinVar contains an entry for this variant (Variation ID: 1374885). Based on the evidence outlined above, the variant was classified as uncertain significance.

Labcorp Genetics (formerly Invitae), Labcorp
Classification: Uncertain significance. Last evaluated: 2025-08-14. Review status: criteria provided, single submitter. Criteria: Invitae Variant Classification Sherloc (09022015). Collection method: clinical testing. Allele origin: germline.
Comment: This sequence change replaces threonine, which is neutral and polar, with isoleucine, which is neutral and non-polar, at codon 1168 of the LAMA1 protein (p.Thr1168Ile). This variant is present in population databases (rs779664777, gnomAD 0.05%). This variant has not been reported in the literature in individuals affected with LAMA1-related conditions. ClinVar contains an entry for this variant (Variation ID: 1374885). Invitae Evidence Modeling of protein sequence and biophysical properties (such as structural, functional, and spatial information, amino acid conservation, physicochemical variation, residue mobility, and thermodynamic stability) indicates that this missense variant is not expected to disrupt LAMA1 protein function with a negative predictive value of 80%. In summary, the available evidence is currently insufficient to determine the role of this variant in disease. Therefore, it has been classified as a Variant of Uncertain Significance.

Blueprint Genetics
Classification: Likely benign. Last evaluated: 2024-11-04. Review status: criteria provided, single submitter. Criteria: ACMG Guidelines, 2015. Collection method: clinical testing. Allele origin: germline.

Ambry Genetics
Classification: Uncertain significance for Inborn genetic diseases. Last evaluated: 2024-08-28. Review status: criteria provided, single submitter. Criteria: Ambry Variant Classification Scheme 2023. Collection method: clinical testing. Allele origin: germline.